The following is an entry in ClinVar:

ClinVar aggregate classification (germline): Uncertain significance (1 of 4 stars; one submission).

Conditions:
Charcot-Marie-Tooth disease type 2. Also called: Charcot-Marie-Tooth type 2. Identifiers: Orphanet 64746, MedGen C0270914, MONDO:0018993.

Allele frequency attached by ClinVar (database versions not stated): gnomAD exomes below 0.00001.
gnomAD v4.1: 2 of 1,610,952 alleles (0.00012%); highest among the groups gnomAD compares: Non-Finnish European, 0.000085%; no homozygotes.

Submission:

Labcorp Genetics (formerly Invitae), Labcorp
Classification: Uncertain significance for Charcot-Marie-Tooth disease type 2. Last evaluated: 2018-09-13. Review status: criteria provided, single submitter. Criteria: Invitae Variant Classification Sherloc (09022015). Collection method: clinical testing. Allele origin: germline.
Comment: This sequence change replaces glutamine with glutamic acid at codon 591 of the MED25 protein (p.Gln591Glu). The glutamine residue is moderately conserved and there is a small physicochemical difference between glutamine and glutamic acid. This variant is not present in population databases (ExAC no frequency). This variant has not been reported in the literature in individuals with MED25-related disease. Algorithms developed to predict the effect of missense changes on protein structure and function (SIFT, PolyPhen-2, Align-GVGD) all suggest that this variant is likely to be tolerated, but these predictions have not been confirmed by published functional studies and their clinical significance is uncertain. In summary, the available evidence is currently insufficient to determine the role of this variant in disease. Therefore, it has been classified as a Variant of Uncertain Significance.

NM_030973.4(MED25):c.1771C>G (p.Gln591Glu)

Gene: MED25 (mediator complex subunit 25; plus strand). Cytogenetic location: 19q13.33.
Variant type: single nucleotide variant.
Coding change: c.1771C>G on transcript NM_030973.4 (MANE Select); coding-DNA position 1771, C replaced by G.
Protein change: p.Gln591Glu; replaces glutamine 591 with glutamic acid.
Molecular consequence: missense variant.
Genome position (GRCh38, 1-based): chr19:49,835,751, C>G. VCF-style: chr19-49835751-C-G. GRCh37 (hg19) VCF-style: chr19-50339008-C-G.
Other names: c.1771C>G, p.Gln591Glu (NM_001378355.1); short protein forms Q591E.
Identifiers: ClinVar variation 665952 (VCV000665952.1), dbSNP rs1600331179, ClinGen allele CA406919846.